The following is an entry in ClinVar:

ClinVar aggregate classification (germline): Uncertain significance (1 of 4 stars; one submission).

Conditions:
Adams-Oliver syndrome 5 (AOS5). Identifiers: Orphanet 974, MedGen C4014970, MONDO:0014459, OMIM 616028.

Allele frequency attached by ClinVar (database versions not stated): gnomAD exomes below 0.00001; TOPMed below 0.00001.
gnomAD v4.1: 1 of 1,612,846 alleles (0.000062%); highest among the groups gnomAD compares: Non-Finnish European, 0.000085%; no homozygotes.

Submission:

Labcorp Genetics (formerly Invitae), Labcorp
Classification: Uncertain significance for Adams-Oliver syndrome 5. Last evaluated: 2021-07-26. Review status: criteria provided, single submitter. Criteria: Invitae Variant Classification Sherloc (09022015). Collection method: clinical testing. Allele origin: germline.
Comment: This sequence change replaces asparagine with threonine at codon 1713 of the NOTCH1 protein (p.Asn1713Thr). The asparagine residue is highly conserved and there is a small physicochemical difference between asparagine and threonine. This variant is not present in population databases (ExAC no frequency). This variant has not been reported in the literature in individuals affected with NOTCH1-related conditions. Advanced modeling of protein sequence and biophysical properties (such as structural, functional, and spatial information, amino acid conservation, physicochemical variation, residue mobility, and thermodynamic stability) performed at Invitae indicates that this missense variant is not expected to disrupt NOTCH1 protein function. In summary, the available evidence is currently insufficient to determine the role of this variant in disease. Therefore, it has been classified as a Variant of Uncertain Significance.

NM_017617.5(NOTCH1):c.5138A>C (p.Asn1713Thr)

Gene: NOTCH1 (notch receptor 1; minus strand). Cytogenetic location: 9q34.3.
Variant type: single nucleotide variant.
Coding change: c.5138A>C on transcript NM_017617.5 (MANE Select); coding-DNA position 5138, A replaced by C.
Protein change: p.Asn1713Thr; replaces asparagine 1713 with threonine.
Molecular consequence: missense variant.
Genome position (GRCh38, 1-based): chr9:136,503,211, T>G on the plus strand (A>C on the coding strand, the complement: NOTCH1 is on the minus strand). VCF-style: chr9-136503211-T-G. GRCh37 (hg19) VCF-style: chr9-139397663-T-G.
Other names: short protein forms N1713T.
Identifiers: ClinVar variation 1385836 (VCV001385836.8), dbSNP rs200053816, ClinGen allele CA375642056.